The following is an entry in ClinVar:

ClinVar aggregate classification (germline): Likely pathogenic (1 of 4 stars; one submission).

Conditions:
Progressive sclerosing poliodystrophy (MTDPS4A). Also called: ALPERS PROGRESSIVE INFANTILE POLIODYSTROPHY; NEURONAL DEGENERATION OF CHILDHOOD WITH LIVER DISEASE, PROGRESSIVE; Mitochondrial DNA Depletion Syndrome 4A; Alpers Syndrome; ALPERS DIFFUSE DEGENERATION OF CEREBRAL GRAY MATTER WITH HEPATIC CIRRHOSIS; Alpers-Huttenlocher Syndrome. Identifiers: Orphanet 726, MedGen C0205710, MONDO:0008758, OMIM 203700.

Submission:

Labcorp Genetics (formerly Invitae), Labcorp
Classification: Likely pathogenic for Progressive sclerosing poliodystrophy. Last evaluated: 2026-01-20. Review status: criteria provided, single submitter. Criteria: Invitae Variant Classification Sherloc (09022015). Collection method: clinical testing. Allele origin: germline.
Comment: This sequence change affects a donor splice site in intron 12 of the POLG gene. It is expected to disrupt RNA splicing. Variants that disrupt the donor or acceptor splice site typically lead to a loss of protein function (PMID: 16199547), and loss-of-function variants in POLG are known to be pathogenic (PMID: 18546365). This variant is present in population databases (no rsID available, gnomAD 0.0009%). This variant has not been reported in the literature in individuals affected with POLG-related conditions. Algorithms developed to predict the effect of sequence changes on RNA splicing suggest that this variant may disrupt the consensus splice site. In summary, the currently available evidence indicates that the variant is pathogenic, but additional data are needed to prove that conclusively. Therefore, this variant has been classified as Likely Pathogenic.

Literature cited by the submitters: PubMed 16199547; PubMed 18546365.

NM_002693.3(POLG):c.2157+2T>C

Gene: POLG (DNA polymerase gamma, catalytic subunit; minus strand). Cytogenetic location: 15q26.1.
Variant type: single nucleotide variant.
Coding change: c.2157+2T>C on transcript NM_002693.3 (MANE Select); the canonical splice donor site of the intron after coding-DNA position 2157, T replaced by C.
Molecular consequence: splice donor variant.
Genome position (GRCh38, 1-based): chr15:89,323,813, A>G on the plus strand (T>C on the coding strand, the complement: POLG is on the minus strand). VCF-style: chr15-89323813-A-G. GRCh37 (hg19) VCF-style: chr15-89867044-A-G.
Other names: c.2157+2T>C (NM_001126131.2).
Identifiers: ClinVar variation 4798977 (VCV004798977.1).